The following is an entry in ClinVar:

NM_024596.5(MCPH1):c.932T>G (p.Val311Gly)

Gene: MCPH1 (microcephalin 1; plus strand). Cytogenetic location: 8p23.1.
Variant type: single nucleotide variant.
Coding change: c.932T>G on transcript NM_024596.5 (MANE Select); coding-DNA position 932, T replaced by G.
Protein change: p.Val311Gly; replaces valine 311 with glycine.
Molecular consequence: missense variant. On other transcripts: non-coding transcript variant (1).
Genome position (GRCh38, 1-based): chr8:6,444,654, T>G. VCF-style: chr8-6444654-T-G. GRCh37 (hg19) VCF-style: chr8-6302175-T-G.
Other names: NC_000008.10:g.6302175T>G; c.932T>G, p.Val311Gly (NM_001172574.2, NM_001322042.2, NM_001363979.1 and 1 more transcripts); c.788T>G, p.Val263Gly (NM_001172575.2); c.926T>G, p.Val309Gly (NM_001322043.2); c.830T>G, p.Val277Gly (NM_001322045.2); c.932T>G (NM_024596.3); short protein forms V311G, V277G, V309G, V263G.
Identifiers: ClinVar variation 498243 (VCV000498243.8), dbSNP rs779253079, ClinGen allele CA4610413.

ClinVar aggregate classification (germline): Uncertain significance. Review status: criteria provided, multiple submitters, no conflicts (2 of 4 stars). 3 submissions from 3 submitters: Uncertain significance (3). Last evaluated 2025-03-07.

Conditions:
Inborn genetic diseases. Identifiers: MedGen C0950123, MeSH D030342.

Allele frequency attached by ClinVar (database versions not stated): gnomAD exomes 0.00001 and 0.00002; TOPMed below 0.00001; ExAC 0.00001.
gnomAD v4.1: 5 of 1,614,118 alleles (0.00031%); highest among the groups gnomAD compares: Admixed American, 0.0067%; no homozygotes.

Submissions (4):

Ambry Genetics
Classification: Uncertain significance for Inborn genetic diseases. Last evaluated: 2025-03-07. Review status: criteria provided, single submitter. Criteria: Ambry Variant Classification Scheme 2023. Collection method: clinical testing. Allele origin: germline.

GeneDx
Classification: Uncertain significance. Last evaluated: 2025-02-06. Review status: criteria provided, single submitter. Criteria: GeneDx Variant Classification Process June 2021. Collection method: clinical testing. Allele origin: germline. Affected: yes.
Comment: Not observed at significant frequency in large population cohorts (gnomAD); In silico analysis supports that this missense variant has a deleterious effect on protein structure/function; Has not been previously published as pathogenic or benign to our knowledge

Eurofins Ntd Llc (ga)
Classification: Uncertain significance. Last evaluated: 2016-11-22. Review status: criteria provided, single submitter. Criteria: EGL Classification Definitions 2015. Collection method: clinical testing. Allele origin: germline. Observed: 1 variant allele, 1 heterozygote.

Dr. Peter K. Rogan Lab, Western University
No classification provided (evidence only). Condition: Melanoma. Review status: no classification provided. Collection method: in vitro. Allele origin: not applicable. Functional consequence: retained intron. Not counted in ClinVar's aggregate classification.